The following is an entry in ClinVar:

NM_000448.3(RAG1):c.2657T>C (p.Met886Thr)

Gene: RAG1 (recombination activating 1; plus strand). Cytogenetic location: 11p12.
Variant type: single nucleotide variant.
Coding change: c.2657T>C on transcript NM_000448.3 (MANE Select); coding-DNA position 2657, T replaced by C.
Protein change: p.Met886Thr; replaces methionine 886 with threonine.
Molecular consequence: missense variant.
Genome position (GRCh38, 1-based): chr11:36,575,961, T>C. VCF-style: chr11-36575961-T-C. GRCh37 (hg19) VCF-style: chr11-36597511-T-C.
Other names: c.2657T>C, p.Met886Thr (NM_001377277.1, NM_001377278.1, NM_001377279.1 and 1 more transcripts); short protein forms M886T.
Identifiers: ClinVar variation 2581401 (VCV002581401.1), dbSNP rs776061406, ClinGen allele CA5950305.

ClinVar aggregate classification (germline): Uncertain significance (1 of 4 stars; one submission).

Allele frequency attached by ClinVar (database versions not stated): ExAC 0.00001; gnomAD 0.00002; gnomAD exomes 0.00002; TOPMed 0.00003.

Submission:

Women's Health and Genetics/Laboratory Corporation of America, LabCorp
Classification: Uncertain significance. Last evaluated: 2023-08-28. Review status: criteria provided, single submitter. Criteria: LabCorp Variant Classification Summary - May 2015. Collection method: clinical testing. Allele origin: germline.
Comment: Variant summary: RAG1 c.2657T>C (p.Met886Thr) results in a non-conservative amino acid change in the encoded protein sequence. Four of five in-silico tools predict a damaging effect of the variant on protein function. The variant allele was found at a frequency of 1.2e-05 in 250854 control chromosomes (gnomAD). The available data on variant occurrences in the general population are insufficient to allow any conclusion about variant significance. c.2657T>C has been reported in the literature in an individual affected with Evans syndrome (Hadjadj_2019). These data do not allow any conclusion about variant significance. To our knowledge, no experimental evidence demonstrating an impact on protein function has been reported. The following publication has been ascertained in the context of this evaluation (PMID: 30940614). No submitters have cited clinical-significance assessments for this variant to ClinVar after 2014. Based on the evidence outlined above, the variant was classified as uncertain significance.

Literature cited by the submitters: PubMed 30940614.